The following is an entry in ClinVar:

NC_000017.10:g.(?_10424597)_(10441172_?)dup

Gene: MYH2 (myosin heavy chain 2; minus strand). Cytogenetic location: 17p13.1.
Variant type: Duplication.
Identifiers: ClinVar variation 3243050 (VCV003243050.1).

ClinVar aggregate classification (germline): Uncertain significance (1 of 4 stars; one submission).

Conditions:
Myopathy, proximal, and ophthalmoplegia (CMYO6). Also called: CONGENITAL MYOPATHY 6 WITH OPHTHALMOPLEGIA; MYOPATHY WITH CONGENITAL JOINT CONTRACTURES, OPHTHALMOPLEGIA, AND RIMMED VACUOLES; INCLUSION BODY MYOPATHY 3, AUTOSOMAL DOMINANT. Identifiers: Orphanet 363677, Orphanet 79091, MedGen C1854106, MONDO:0011577, OMIM 605637.

Submission:

Labcorp Genetics (formerly Invitae), Labcorp
Classification: Uncertain significance for Myopathy, proximal, and ophthalmoplegia. Last evaluated: 2023-07-29. Review status: criteria provided, single submitter. Criteria: Invitae Variant Classification Sherloc (09022015). Collection method: clinical testing. Allele origin: unknown.
Comment: In summary, the available evidence is currently insufficient to determine the role of this variant in disease. Therefore, it has been classified as a Variant of Uncertain Significance. This variant has not been reported in the literature in individuals affected with MYH2-related conditions. This variant results in a copy number gain of the genomic region encompassing exon(s) 15-40 of the MYH2 gene. This region includes the termination codon of the gene. This copy number gain extends beyond the assayed region for this gene and therefore may encompass additional genes. As the precise location of this event is unknown, it may be in tandem or it may be located elsewhere in the genome.